The following is an entry in ClinVar:

NM_138295.5(PKD1L1):c.5757C>T (p.Leu1919=)

Gene: PKD1L1 (polycystin 1 like 1, transient receptor potential channel interacting; minus strand). Cytogenetic location: 7p12.3.
Variant type: single nucleotide variant.
Coding change: c.5757C>T on transcript NM_138295.5 (MANE Select); coding-DNA position 5757, C replaced by T.
Protein change: p.Leu1919=; no amino-acid change (leucine 1919 retained).
Molecular consequence: synonymous variant.
Genome position (GRCh38, 1-based): chr7:47,839,458, G>A on the plus strand (C>T on the coding strand, the complement: PKD1L1 is on the minus strand). VCF-style: chr7-47839458-G-A. GRCh37 (hg19) VCF-style: chr7-47879056-G-A.
Identifiers: ClinVar variation 3054485 (VCV003054485.4), dbSNP rs142115066, ClinGen allele CA4252758.

ClinVar aggregate classification (germline): Likely benign. Review status: criteria provided, multiple submitters, no conflicts (2 of 4 stars). 3 submissions from 3 submitters: Likely benign (2). 1 of the submissions does not count toward it. Last evaluated 2025-10-08.

Conditions:
PKD1L1-related disorder. Also called: PKD1L1-related condition.

Allele frequency attached by ClinVar (database versions not stated): ESP Exome Variant Server 0.00008; gnomAD exomes 0.00008; gnomAD 0.00009; TOPMed 0.00010; ExAC 0.00011.
gnomAD v4.1: 146 of 1,609,072 alleles (0.0091%); highest among the groups gnomAD compares: Middle Eastern, 0.082%; 1 homozygote.

Submissions (3):

Labcorp Genetics (formerly Invitae), Labcorp
Classification: Likely benign. Last evaluated: 2025-10-08. Review status: criteria provided, single submitter. Criteria: Invitae Variant Classification Sherloc (09022015). Collection method: clinical testing. Allele origin: germline.

Blueprint Genetics
Classification: Likely benign. Last evaluated: 2024-09-16. Review status: criteria provided, single submitter. Criteria: ACMG Guidelines, 2015. Collection method: clinical testing. Allele origin: germline.

PreventionGenetics, part of Exact Sciences
Classification: Likely benign for PKD1L1-related condition. Last evaluated: 2021-12-29. Review status: no assertion criteria provided. Collection method: clinical testing. Allele origin: germline. Not counted in ClinVar's aggregate classification.
Comment: This variant is classified as likely benign based on ACMG/AMP sequence variant interpretation guidelines (Richards et al. 2015 PMID: 25741868, with internal and published modifications).